The following is an entry in ClinVar:

ClinVar aggregate classification (germline): Uncertain significance (1 of 4 stars; one submission).

Submission:

GeneDx
Classification: Uncertain significance. Last evaluated: 2024-07-11. Review status: criteria provided, single submitter. Criteria: GeneDx Variant Classification Process June 2021. Collection method: clinical testing. Allele origin: germline. Affected: yes.
Comment: Not observed at significant frequency in large population cohorts (gnomAD); In silico analysis supports that this missense variant has a deleterious effect on protein structure/function; Has not been previously published as pathogenic or benign to our knowledge; This variant is associated with the following publications: (PMID: 25486365, 22807134)

NM_001042492.3(NF1):c.3802G>C (p.Ala1268Pro)

Gene: NF1 (neurofibromin 1; plus strand). Cytogenetic location: 17q11.2.
Variant type: single nucleotide variant.
Coding change: c.3802G>C on transcript NM_001042492.3 (MANE Select); coding-DNA position 3802, G replaced by C.
Protein change: p.Ala1268Pro; replaces alanine 1268 with proline.
Molecular consequence: missense variant.
Genome position (GRCh38, 1-based): chr17:31,235,704, G>C. VCF-style: chr17-31235704-G-C. GRCh37 (hg19) VCF-style: chr17-29562722-G-C.
Other names: c.3802G>C, p.Ala1268Pro (NM_000267.4); short protein forms A1268P.
Identifiers: ClinVar variation 3572743 (VCV003572743.1).
Genomic context (GRCh38, chr17:31,235,704, plus strand): 5'-GATTCTCGGCATTTACTCTACCAACTGCTCTGGAACATGTTTTCTAAAGAAGTAGAATTG[G>C]CAGACTCCATGCAGACTCTCTTCCGAGGCAACAGCTTGGCCAGTAAAATAATGACATTCT-3'
Protein context (NP_001035957.1, residues 1258-1278): WNMFSKEVEL[Ala1268Pro]DSMQTLFRGN